The following is an entry in ClinVar:

NM_004409.5(DMPK):c.*224CTG[435]

Genes: DM1-AS (DM1 locus antisense RNA; plus strand), DMPK (DM1 protein kinase; minus strand), LOC107075317 (origin of replication in DMPK trinucleotide repeat region; plus strand), LOC109461477 (dystrophia myotonica protein kinase repeat instability region; plus strand). Cytogenetic location: 19q13.32.
Variant type: Microsatellite.
Coding change: c.*224CTG[435] on transcript NM_004409.5 (MANE Select); 435 copies in a row of the 3-base unit CTG starting at c.*224.
Molecular consequence: 3 prime UTR variant.
Genome position: GRCh38, VCF-style position (the base before the change): chr19:45,770,204. GRCh37 (hg19), VCF-style position (the base before the change): chr19:46,273,462.
Other names: DM1 CTG repeat expansion; c.*217CTG[435] (NM_001424166.1, NM_001424162.1, NM_001424163.1 and 2 more transcripts); c.*369CTG[435] (NM_001424168.1, NM_001424164.1, NM_001288766.2); c.*224CTG[435] (NM_001424165.1, NM_001424169.1, NM_001081560.3 and 1 more transcripts); c.*222_*224TGC[435] (NM_001081563.3).
Identifiers: ClinVar variation 187980 (VCV000187980.1), ClinGen allele CA915951797.

ClinVar aggregate classification (germline): Pathogenic (0 of 4 stars; one submission).

Conditions:
Steinert myotonic dystrophy syndrome (DM1). Also called: STEINERT DISEASE; Myotonic dystrophy type 1; Dystrophia myotonica type 1; Steinert myotonic dystrophy; Steinert's disease. Identifiers: Orphanet 273, MedGen C3250443, MONDO:0008056, OMIM 160900.

Submission:

Institute of Molecular, Cell and Systems Biology, University of Glasgow
Classification: Pathogenic for Steinert myotonic dystrophy syndrome. Review status: no assertion criteria provided. Criteria: research. Collection method: research. Allele origin: germline. Inheritance: Autosomal dominant inheritance. Affected: yes. Observed: 2 heterozygotes.
Comment: DMPK CTG repeat expansions greater than approximately 45-50 repeats are assumed to be pathogenic

This record is based on data published in PubMed 25052313, which reports only ClinVar accessions SCV000120188 and SCV000120189. The complete data set includes SCV000207445 - SCV000207579.

Literature cited by the submitters: PubMed 1346923; PubMed 1546326; PubMed 25052313.